The following is an entry in ClinVar:

ClinVar aggregate classification (germline): Uncertain significance (1 of 4 stars; one submission).

gnomAD v4.1: 38 of 1,610,014 alleles (0.0024%); highest among the groups gnomAD compares: African/African-American, 0.047%; no homozygotes.

Submission:

Labcorp Genetics (formerly Invitae), Labcorp
Classification: Uncertain significance. Last evaluated: 2025-03-04. Review status: criteria provided, single submitter. Criteria: Invitae Variant Classification Sherloc (09022015). Collection method: clinical testing. Allele origin: germline.
Comment: This sequence change replaces alanine, which is neutral and non-polar, with glycine, which is neutral and non-polar, at codon 623 of the FOCAD protein (p.Ala623Gly). This variant is present in population databases (rs141228298, gnomAD 0.06%), and has an allele count higher than expected for a pathogenic variant. This variant has not been reported in the literature in individuals affected with FOCAD-related conditions. Experimental studies and prediction algorithms are not available or were not evaluated, and the functional significance of this variant is currently unknown. In summary, the available evidence is currently insufficient to determine the role of this variant in disease. Therefore, it has been classified as a Variant of Uncertain Significance.

NM_001375567.1(FOCAD):c.1868C>G (p.Ala623Gly)

Gene: FOCAD (focadhesin; plus strand). Cytogenetic location: 9p21.3.
Variant type: single nucleotide variant.
Coding change: c.1868C>G on transcript NM_001375567.1 (MANE Select); coding-DNA position 1868, C replaced by G.
Protein change: p.Ala623Gly; replaces alanine 623 with glycine.
Molecular consequence: missense variant.
Genome position (GRCh38, 1-based): chr9:20,823,063, C>G. VCF-style: chr9-20823063-C-G. GRCh37 (hg19) VCF-style: chr9-20823062-C-G.
Other names: c.1763C>G, p.Ala588Gly (NM_001375568.1, NM_001375570.1); c.1868C>G, p.Ala623Gly (NM_017794.5); short protein forms A588G, A623G.
Identifiers: ClinVar variation 4804844 (VCV004804844.1).
Genomic context (GRCh38, chr9:20,823,063, plus strand): 5'-GTGCAGATATGTTGGCAGCTATTTCTCAAGTGTTGAATGAATGCACCAAGCCTGATCAAG[C>G]TACTCCAGCAGCCTTGGTATTACAGGGTCTTCATGCACTCTGTCAAGCTGAGGTAGGCAT-3'
Protein context (NP_001362496.1, residues 613-633): VLNECTKPDQ[Ala623Gly]TPAALVLQGL